The following is an entry in ClinVar:

ClinVar aggregate classification (germline): Uncertain significance (1 of 4 stars; one submission).

Conditions:
Wiskott-Aldrich syndrome 2 (WAS2). Also called: WIPF1 DEFICIENCY. Identifiers: Orphanet 906, MedGen C3281001, MONDO:0013779, OMIM 614493.

Submission:

Labcorp Genetics (formerly Invitae), Labcorp
Classification: Uncertain significance for Wiskott-Aldrich syndrome 2. Last evaluated: 2022-08-19. Review status: criteria provided, single submitter. Criteria: Invitae Variant Classification Sherloc (09022015). Collection method: clinical testing. Allele origin: germline.
Comment: A copy number gain of the genomic region encompassing the full coding sequence of the WIPF1 gene has been identified. The boundaries of this event are unknown as they extend beyond the assayed region for this gene and therefore may encompass additional genes. As the precise location of this event is unknown, it may be in tandem or it may be located elsewhere in the genome. This variant has not been reported in the literature in individuals affected with WIPF1-related conditions. In summary, the available evidence is currently insufficient to determine the role of this variant in disease. Therefore, it has been classified as a Variant of Uncertain Significance.

NC_000002.11:g.(?_175427275)_(175629122_?)dup

Genes: CHRNA1 (cholinergic receptor nicotinic alpha 1 subunit; minus strand), WIPF1 (WAS/WASL interacting protein family member 1; minus strand). Cytogenetic location: 2q31.1.
Variant type: Duplication.
Identifiers: ClinVar variation 2423598 (VCV002423598.4).